The following is an entry in ClinVar:

ClinVar aggregate classification (germline): Uncertain significance. Review status: criteria provided, multiple submitters, no conflicts (2 of 4 stars). 2 submissions from 2 submitters: Uncertain significance (2). Last evaluated 2023-12-11.

Conditions:
Agammaglobulinemia 3, autosomal recessive (AGM3). Also called: AGAMMAGLOBULINEMIA 3; AGAMMAGLOBULINEMIA, AUTOSOMAL RECESSIVE, DUE TO CD79A DEFECT. Identifiers: MedGen C3150751, MONDO:0013288, OMIM 613501.

Allele frequency attached by ClinVar (database versions not stated): TOPMed below 0.00001; gnomAD exomes 0.00002.
gnomAD v4.1: 5 of 1,587,772 alleles (0.00031%); highest among the groups gnomAD compares: East Asian, 0.0091%; no homozygotes.

Submissions (2):

Labcorp Genetics (formerly Invitae), Labcorp
Classification: Uncertain significance for Agammaglobulinemia 3, autosomal recessive. Last evaluated: 2023-12-11. Review status: criteria provided, single submitter. Criteria: Invitae Variant Classification Sherloc (09022015). Collection method: clinical testing. Allele origin: germline.
Comment: This sequence change replaces isoleucine, which is neutral and non-polar, with lysine, which is basic and polar, at codon 218 of the CD79A protein (p.Ile218Lys). This variant is present in population databases (rs781969358, gnomAD 0.03%). This variant has not been reported in the literature in individuals affected with CD79A-related conditions. ClinVar contains an entry for this variant (Variation ID: 1054078). An algorithm developed to predict the effect of missense changes on protein structure and function (PolyPhen-2) suggests that this variant is likely to be disruptive. In summary, the available evidence is currently insufficient to determine the role of this variant in disease. Therefore, it has been classified as a Variant of Uncertain Significance.

Ambry Genetics
Classification: Uncertain significance. Last evaluated: 2023-08-08. Review status: criteria provided, single submitter. Criteria: Ambry Variant Classification Scheme 2023. Collection method: clinical testing. Allele origin: germline.

NM_001783.4(CD79A):c.653T>A (p.Ile218Lys)

Genes: CD79A (CD79a molecule; plus strand), RPS19-CD79A (RPS19-CD79A readthrough; plus strand). Cytogenetic location: 19q13.2.
Variant type: single nucleotide variant.
Coding change: c.653T>A on transcript NM_001783.4 (MANE Select); coding-DNA position 653, T replaced by A.
Protein change: p.Ile218Lys; replaces isoleucine 218 with lysine.
Molecular consequence: missense variant.
Genome position (GRCh38, 1-based): chr19:41,880,952, T>A. VCF-style: chr19-41880952-T-A. GRCh37 (hg19) VCF-style: chr19-42385019-T-A.
Other names: c.653T>A (NM_001783.3); c.539T>A, p.Ile180Lys (NM_021601.4); short protein forms I180K, I218K.
Identifiers: ClinVar variation 1054078 (VCV001054078.10), dbSNP rs781969358, ClinGen allele CA9465691.